The following is an entry in ClinVar:

NM_006567.5(FARS2):c.984T>C (p.Asp328=)

Gene: FARS2 (phenylalanyl-tRNA synthetase 2, mitochondrial; plus strand). Cytogenetic location: 6p25.1.
Variant type: single nucleotide variant.
Coding change: c.984T>C on transcript NM_006567.5 (MANE Select); coding-DNA position 984, T replaced by C.
Protein change: p.Asp328=; no amino-acid change (aspartic acid 328 retained).
Molecular consequence: synonymous variant.
Genome position (GRCh38, 1-based): chr6:5,545,259, T>C. VCF-style: chr6-5545259-T-C. GRCh37 (hg19) VCF-style: chr6-5545492-T-C.
Other names: c.984T>C, p.Asp328= (NM_001318872.2, NM_001374875.1, NM_001374876.1 and 4 more transcripts); c.852T>C, p.Asp284= (NM_001375258.1); c.288T>C, p.Asp96= (NM_001375259.1, NM_001375260.1).
Identifiers: ClinVar variation 587661 (VCV000587661.12), dbSNP rs201390927, ClinGen allele CA134331274.
Genomic context (GRCh38, chr6:5,545,259, plus strand): 5'-CGGCTGGGCTTTTGGCCTAGGATTAGAAAGGCTAGCCATGATCCTCTACGACATCCCTGA[T>C]ATCCGTCTCTTCTGGTGTGAGGACGAGCGCTTCCTGAAGCAGTTCTGTGTATCCAACATT-3'
Protein context (NP_006558.1, residues 318-338): RLAMILYDIP[Asp328=]IRLFWCEDER

ClinVar aggregate classification (germline): Likely benign. Review status: criteria provided, multiple submitters, no conflicts (2 of 4 stars). 3 submissions from 3 submitters: Likely benign (2). 1 of the submissions does not count toward it. Last evaluated 2026-01-20.

Conditions:
FARS2-related disorder. Also called: FARS2-related disorders; FARS2-related condition.
Combined oxidative phosphorylation defect type 14. Also called: Combined oxidative phosphorylation deficiency 14. Identifiers: Orphanet 319519, MedGen C4755312, MONDO:0013986, OMIM 614946.

Allele frequency attached by ClinVar (database versions not stated): TOPMed 0.00005; 1000 Genomes Project 30x 0.00016; gnomAD exomes below 0.00001; gnomAD 0.00005; 1000 Genomes Project 0.00020.
gnomAD v4.1: 13 of 1,614,112 alleles (0.00081%); highest among the groups gnomAD compares: African/African-American, 0.015%; no homozygotes.

Submissions (3):

Labcorp Genetics (formerly Invitae), Labcorp
Classification: Likely benign for Combined oxidative phosphorylation defect type 14. Last evaluated: 2026-01-20. Review status: criteria provided, single submitter. Criteria: Invitae Variant Classification Sherloc (09022015). Collection method: clinical testing. Allele origin: germline.

Wong Mito Lab, Molecular and Human Genetics, Baylor College of Medicine
Classification: Likely benign for Combined oxidative phosphorylation deficiency 14. Last evaluated: 2018-06-13. Review status: criteria provided, single submitter. Criteria: ACMG Guidelines, 2015. Collection method: clinical testing. Allele origin: germline.

PreventionGenetics, part of Exact Sciences
Classification: Likely benign for FARS2-related condition. Last evaluated: 2020-08-03. Review status: no assertion criteria provided. Collection method: clinical testing. Allele origin: germline. Not counted in ClinVar's aggregate classification.
Comment: This variant is classified as likely benign based on ACMG/AMP sequence variant interpretation guidelines (Richards et al. 2015 PMID: 25741868, with internal and published modifications).